The following is an entry in ClinVar:

NM_000038.6(APC):c.419_422del (p.Glu140fs)

Gene: APC (APC regulator of Wnt signaling pathway; plus strand). Cytogenetic location: 5q22.2.
Variant type: Microsatellite.
Coding change: c.419_422del on transcript NM_000038.6 (MANE Select); coding-DNA positions 419 to 422, 4 bases deleted (AGAG; older notation c.419_422delAGAG).
Protein change: p.Glu140fs; shifts the reading frame from glutamic acid 140.
Molecular consequence: frameshift variant. On other transcripts: 5 prime UTR variant (4), non-coding transcript variant (2).
Genome position (GRCh38, 1-based): chr5:112,767,387-112,767,390, AGAG deleted; deleting any 4 consecutive bases within chr5:112,767,385-112,767,390 gives the same sequence; the c. name uses the placement nearest the transcript's 3' end. VCF-style (leftmost placement, unchanged base first): chr5-112767384-AAGAG-A. GRCh37 (hg19) VCF-style: chr5-112103081-AAGAG-A.
Other names: c.419_422del, p.Glu140fs (NM_001407469.1, NM_001354896.2, NM_001354899.2 and 16 more transcripts); c.-619AG[1] (NM_001407470.1, NM_001407471.1, NM_001407472.1 and 1 more transcripts); c.449_452del, p.Glu150fs (NM_001354897.2, NM_001354902.2, NM_001127511.3 and 1 more transcripts); c.344_347del, p.Glu115fs (NM_001354898.2, NM_001354904.2, NM_001407451.1); c.242_245del, p.Glu81fs (NM_001354900.2, NM_001354901.2, NM_001354905.2 and 1 more transcripts); short protein forms E115fs, E140fs, E150fs, E81fs.
Identifiers: ClinVar variation 4085379 (VCV004085379.8).

ClinVar aggregate classification (germline): Pathogenic (1 of 4 stars; one submission).

Submission:

CeGaT Center for Human Genetics Tuebingen
Classification: Pathogenic. Last evaluated: 2025-07-01. Review status: criteria provided, single submitter. Criteria: CeGaT Center For Human Genetics Tuebingen Variant Classification Criteria Version 2. Collection method: clinical testing. Allele origin: germline. Affected: yes. Observed: 1 variant allele.
Comment: APC: PVS1, PM2, PS4:Supporting